The following is an entry in ClinVar:

NM_001042492.3(NF1):c.6819+2T>C

Gene: NF1 (neurofibromin 1; plus strand). Cytogenetic location: 17q11.2.
Variant type: single nucleotide variant.
Coding change: c.6819+2T>C on transcript NM_001042492.3 (MANE Select); the canonical splice donor site of the intron after coding-DNA position 6819, T replaced by C.
Molecular consequence: splice donor variant.
Genome position (GRCh38, 1-based): chr17:31,338,141, T>C. VCF-style: chr17-31338141-T-C. GRCh37 (hg19) VCF-style: chr17-29665159-T-C.
Other names: c.6756+2T>C (NM_000267.3, NM_000267.4).
Identifiers: ClinVar variation 431680 (VCV000431680.13), dbSNP rs1135402894, ClinGen allele CA399014230.

ClinVar aggregate classification (germline): Pathogenic. Review status: criteria provided, multiple submitters, no conflicts (2 of 4 stars). 6 submissions from 6 submitters: Pathogenic (5). 1 of the submissions does not count toward it. Last evaluated 2025-03-14.

Conditions:
NF1-related disorder. Also called: NF1-related condition. Identifiers: MedGen CN379171.
Juvenile myelomonocytic leukemia (JMML). Also called: LEUKEMIA, JUVENILE MYELOMONOCYTIC, SOMATIC. Identifiers: Orphanet 86834, MedGen C0349639, MONDO:0011908, OMIM 607785, HP:0012209.
Neurofibromatosis, type 1 (NF1). Also called: Neurofibromatosis, type I; Peripheral type neurofibromatosis; VON RECKLINGHAUSEN DISEASE; NEUROFIBROMATOSIS, TYPE I, SOMATIC. Identifiers: Orphanet 636, MedGen C0027831, MONDO:0018975, OMIM 162200. Disease mechanism: loss of function.

Submissions (6):

GeneDx
Classification: Pathogenic. Last evaluated: 2025-03-14. Review status: criteria provided, single submitter. Criteria: GeneDx Variant Classification Process June 2021. Collection method: clinical testing. Allele origin: germline. Affected: yes.
Comment: Canonical splice site variant demonstrated to result in skipping of exon 44, also referred to as exon 36 by alternate exon numbering, in patient mRNA and predicted to result in a null allele in a gene for which loss of function is a known mechanism of disease (PMID: 18546366); Not observed at significant frequency in large population cohorts (gnomAD); Also known as IVS36+2T>C; This variant is associated with the following publications: (PMID: 25525159, 18546366)

Labcorp Genetics (formerly Invitae), Labcorp
Classification: Pathogenic for Neurofibromatosis, type 1. Last evaluated: 2025-01-20. Review status: criteria provided, single submitter. Criteria: Invitae Variant Classification Sherloc (09022015). Collection method: clinical testing. Allele origin: germline.
Comment: This sequence change affects a donor splice site in intron 44 of the NF1 gene. RNA analysis indicates that disruption of this splice site induces altered splicing and may result in an absent or altered protein product. This variant is not present in population databases (gnomAD no frequency). Disruption of this splice site has been observed in individual(s) with clinical features of neurofibromatosis, type 1 (PMID: 18546366; internal data). ClinVar contains an entry for this variant (Variation ID: 431680). Studies have shown that disruption of this splice site results in skipping of exon 36, and produces a non-functional protein and/or introduces a premature termination codon (PMID: 18546366). For these reasons, this variant has been classified as Pathogenic.

Baylor Genetics
Classification: Pathogenic for Juvenile myelomonocytic leukemia. Last evaluated: 2024-03-01. Review status: criteria provided, single submitter. Criteria: ACMG Guidelines, 2015. Collection method: clinical testing. Allele origin: unknown.

Blueprint Genetics
Classification: Pathogenic for NF1-related disorders. Last evaluated: 2023-06-05. Review status: criteria provided, single submitter. Criteria: ACMG Guidelines, 2015. Collection method: clinical testing. Allele origin: germline. Affected: yes. Observed: 1 variant allele.

Genome-Nilou Lab
Classification: Pathogenic for Neurofibromatosis, type 1. Last evaluated: 2022-03-15. Review status: criteria provided, single submitter. Criteria: ACMG Guidelines, 2015. Collection method: clinical testing. Allele origin: germline. Affected: no.

Medical Genetics, University of Parma
Classification: Likely pathogenic for Neurofibromatosis type 1. Last evaluated: 2017-02-02. Review status: no assertion criteria provided. Collection method: clinical testing. Allele origin: germline. Affected: yes. Not counted in ClinVar's aggregate classification.

Literature cited by the submitters: PubMed 18546366 (cited by Labcorp Genetics (formerly Invitae), Labcorp).